The following is an entry in ClinVar:

NM_000059.4(BRCA2):c.1846T>G (p.Cys616Gly)

Gene: BRCA2 (BRCA2 DNA repair associated; plus strand). Cytogenetic location: 13q13.1.
Variant type: single nucleotide variant.
Coding change: c.1846T>G on transcript NM_000059.4 (MANE Select); coding-DNA position 1846, T replaced by G.
Protein change: p.Cys616Gly; replaces cysteine 616 with glycine.
Molecular consequence: missense variant. On other transcripts: non-coding transcript variant (1), intron variant (1).
Genome position (GRCh38, 1-based): chr13:32,333,324, T>G. VCF-style: chr13-32333324-T-G. GRCh37 (hg19) VCF-style: chr13-32907461-T-G.
Other names: c.1846T>G, p.Cys616Gly (NM_001406719.1, NM_001406720.1, NM_001406721.1 and 1 more transcripts); c.424+2294T>G (NM_001406722.1); short protein forms C616G.
Identifiers: ClinVar variation 3636435 (VCV003636435.2).

ClinVar aggregate classification (germline): Uncertain significance (1 of 4 stars; one submission).

Conditions:
Hereditary breast ovarian cancer syndrome. Also called: Hereditary breast and ovarian cancer syndrome; Hereditary breast and ovarian cancer syndrome (HBOC); BRCA1- and BRCA2-Associated Hereditary Breast and Ovarian Cancer; Hereditary breast and ovarian cancer; Breast and ovarian cancer; Hereditary breast and/or ovarian cancer syndrome. Identifiers: Orphanet 145, MedGen C0677776, MeSH D061325, MONDO:0003582. Disease mechanism: loss of function.

Submission:

Labcorp Genetics (formerly Invitae), Labcorp
Classification: Uncertain significance for Hereditary breast ovarian cancer syndrome. Last evaluated: 2024-08-19. Review status: criteria provided, single submitter. Criteria: Invitae Variant Classification Sherloc (09022015). Collection method: clinical testing. Allele origin: germline.
Comment: This sequence change replaces cysteine, which is neutral and slightly polar, with glycine, which is neutral and non-polar, at codon 616 of the BRCA2 protein (p.Cys616Gly). This variant is not present in population databases (gnomAD no frequency). This variant has not been reported in the literature in individuals affected with BRCA2-related conditions. Invitae Evidence Modeling of protein sequence and biophysical properties (such as structural, functional, and spatial information, amino acid conservation, physicochemical variation, residue mobility, and thermodynamic stability) indicates that this missense variant is not expected to disrupt BRCA2 protein function with a negative predictive value of 95%. In summary, the available evidence is currently insufficient to determine the role of this variant in disease. Therefore, it has been classified as a Variant of Uncertain Significance.